The following is an entry in ClinVar:

NM_001267550.2(TTN):c.46459C>T (p.Gln15487Ter)

Genes: TTN-AS1 (TTN antisense RNA 1; plus strand), TTN (titin; minus strand). Cytogenetic location: 2q31.2.
Variant type: single nucleotide variant.
Coding change: c.46459C>T on transcript NM_001267550.2 (MANE Select); coding-DNA position 46459, C replaced by T.
Protein change: p.Gln15487Ter; replaces glutamine 15487 with a stop codon.
Molecular consequence: nonsense. On other transcripts: non-coding transcript variant (1).
Genome position (GRCh38, 1-based): chr2:178,619,858, G>A on the plus strand (C>T on the coding strand, the complement: TTN is on the minus strand). VCF-style: chr2-178619858-G-A. GRCh37 (hg19) VCF-style: chr2-179484585-G-A.
Other names: c.41536C>T, p.Gln13846Ter (NM_001256850.1); c.19264C>T, p.Gln6422Ter (NM_003319.4); c.38755C>T, p.Gln12919Ter (NM_133378.4); c.19639C>T, p.Gln6547Ter (NM_133432.3); c.19840C>T, p.Gln6614Ter (NM_133437.4); short protein forms Q12919*, Q6422*, Q6547*, Q6614*, Q15487*, Q13846*.
Identifiers: ClinVar variation 839393 (VCV000839393.12), dbSNP rs2058001839, ClinGen allele CA349626130.
Genomic context (GRCh38, chr2:178,619,858, plus strand): 5'-TATCTTTATTGAGTTCTGCTAAAAAGACAACATCAGCACCAGGGGCTTCAAGAATATCTT[G>A]TGGAGGCCTGATGATCTCAACAGGAATTTCTGGAAAGAAAATGTGAAATAAATACAAATA-3'

ClinVar aggregate classification (germline): Likely pathogenic (1 of 4 stars; one submission).

Conditions:
Dilated cardiomyopathy 1G (CMD1G). Identifiers: Orphanet 154, MedGen C1858763, MONDO:0011400, OMIM 604145.
Autosomal recessive limb-girdle muscular dystrophy type 2J (LGMDR10). Also called: Limb-girdle muscular dystrophy, type 2J; MUSCULAR DYSTROPHY, LIMB-GIRDLE, AUTOSOMAL RECESSIVE 10. Identifiers: Orphanet 140922, MedGen C1837342, MONDO:0012127, OMIM 608807.

Submission:

Labcorp Genetics (formerly Invitae), Labcorp
Classification: Likely pathogenic for Dilated cardiomyopathy 1G; Autosomal recessive limb-girdle muscular dystrophy type 2J. Last evaluated: 2026-01-06. Review status: criteria provided, single submitter. Criteria: Invitae Variant Classification Sherloc (09022015). Collection method: clinical testing. Allele origin: germline.
Comment: This sequence change creates a premature translational stop signal (p.Gln15487*) in the TTN gene. While this is not anticipated to result in nonsense mediated decay, it is expected to create a truncated TTN protein. This variant is not present in population databases (gnomAD no frequency). This variant has not been reported in the literature in individuals affected with TTN-related conditions. ClinVar contains an entry for this variant (Variation ID: 839393). This variant is located in the I band of TTN (PMID: 25589632). Truncating variants in this region have been reported in individuals affected with autosomal recessive centronuclear myopathy (PMID: 23975875, internal data). Truncating variants in this region have also been identified in individuals affected with autosomal dominant dilated cardiomyopathy and/or cardio-related conditions (PMID: 27869827, 32964742, internal data). In summary, the currently available evidence indicates that the variant is pathogenic, but additional data are needed to prove that conclusively. Therefore, this variant has been classified as Likely Pathogenic.

Literature cited by the submitters: PubMed 25589632; PubMed 23975875; PubMed 27869827; PubMed 32964742.